The following is an entry in ClinVar:

NM_033380.3(COL4A5):c.496del (p.Leu166fs)

Gene: COL4A5 (collagen type IV alpha 5 chain; plus strand). Cytogenetic location: Xq22.3.
Variant type: Deletion.
Coding change: c.496del on transcript NM_033380.3 (MANE Select); coding-DNA position 496, one base deleted (C; older notation c.496delC).
Protein change: p.Leu166fs; shifts the reading frame from leucine 166.
Molecular consequence: frameshift variant.
Genome position (GRCh38, 1-based): chrX:108,573,604, C deleted. VCF-style (leftmost placement, unchanged base first): chrX-108573603-AC-A. GRCh37 (hg19) VCF-style: chrX-107816833-AC-A.
Other names: c.496del, p.Leu166fs (NM_000495.5); short protein forms L166fs.
Identifiers: ClinVar variation 3362813 (VCV003362813.3).

ClinVar aggregate classification (germline): Likely pathogenic (1 of 4 stars; one submission).

Conditions:
X-linked Alport syndrome (ATS1). Also called: COL4A5-Related Nephropathy; NEPHROPATHY AND DEAFNESS, X-LINKED. Identifiers: Orphanet 63, Orphanet 88917, MedGen C4746986, MONDO:0010520, OMIM 301050.

Submission:

Neuberg Centre For Genomic Medicine, NCGM
Classification: Likely pathogenic for X-linked Alport syndrome. Review status: criteria provided, single submitter. Criteria: ACMG Guidelines, 2015. Collection method: clinical testing. Allele origin: germline. Inheritance: X-linked dominant inheritance. Affected: yes.
Comment: The observed frameshift c.496del(p.Leu166CysfsTer37) variant in COL4A5 gene has not been reported previously as a pathogenic variant nor as a benign variant, to our knowledge. The p.Leu166CysfsTer37 variant is absent in gnomAD Exomes database. This variant has not been submitted to the ClinVar database. This variant causes a frameshift starting with codon Leucine 166, changes this amino acid to Cysteine residue, and creates a premature Stop codon at position 37 of the new reading frame, denoted p.Leu166CysfsTer37. This variant is predicted to cause loss of normal protein function through protein truncation. Loss of function variants have been previously reported to be disease causing. Functional studies are required to prove pathogenicity of the variant. For these reasons, this variant has been classified as Likely Pathogenic.